The following is an entry in ClinVar:

ClinVar aggregate classification (germline): Uncertain significance. Review status: criteria provided, multiple submitters, no conflicts (2 of 4 stars). 3 submissions from 3 submitters: Uncertain significance (3). Last evaluated 2024-06-07.

Allele frequency attached by ClinVar (database versions not stated): ExAC 0.00001.
gnomAD v4.1: 18 of 1,592,828 alleles (0.0011%); highest among the groups gnomAD compares: Non-Finnish European, 0.0015%; no homozygotes.

Submissions (3):

Women's Health and Genetics/Laboratory Corporation of America, LabCorp
Classification: Uncertain significance. Last evaluated: 2024-06-07. Review status: criteria provided, single submitter. Criteria: LabCorp Variant Classification Summary - May 2015. Collection method: clinical testing. Allele origin: germline.
Comment: Variant summary: SEC23B c.256A>G (p.Asn86Asp) results in a conservative amino acid change located in the Zinc finger, Sec23/Sec24-type domain (IPR006895) of the encoded protein sequence. Four of five in-silico tools predict a damaging effect of the variant on protein function. The variant allele was found at a frequency of 4e-06 in 249422 control chromosomes. The available data on variant occurrences in the general population are insufficient to allow any conclusion about variant significance. To our knowledge, no occurrence of c.256A>G in individuals affected with SEC23B-Related Disorders and no experimental evidence demonstrating its impact on protein function have been reported. ClinVar contains an entry for this variant (Variation ID: 2582177). Based on the evidence outlined above, the variant was classified as uncertain significance.

ARUP Laboratories, Molecular Genetics and Genomics, ARUP Laboratories
Classification: Uncertain significance. Last evaluated: 2023-04-06. Review status: criteria provided, single submitter. Criteria: ARUP Molecular Germline Variant Investigation Process 2024. Collection method: clinical testing. Allele origin: germline.

GeneDx
Classification: Uncertain significance. Last evaluated: 2023-03-30. Review status: criteria provided, single submitter. Criteria: GeneDx Variant Classification Process June 2021. Collection method: clinical testing. Allele origin: germline. Affected: yes.
Comment: Not observed at significant frequency in large population cohorts (gnomAD); In silico analysis supports that this missense variant has a deleterious effect on protein structure/function; Has not been previously published as pathogenic or benign to our knowledge

NM_006363.6(SEC23B):c.256A>G (p.Asn86Asp)

Gene: SEC23B (SEC23 homolog B, COPII coat complex component; plus strand). Cytogenetic location: 20p11.23.
Variant type: single nucleotide variant.
Coding change: c.256A>G on transcript NM_006363.6 (MANE Select); coding-DNA position 256, A replaced by G.
Protein change: p.Asn86Asp; replaces asparagine 86 with aspartic acid.
Molecular consequence: missense variant.
Genome position (GRCh38, 1-based): chr20:18,512,259, A>G. VCF-style: chr20-18512259-A-G. GRCh37 (hg19) VCF-style: chr20-18492903-A-G.
Other names: c.256A>G, p.Asn86Asp (NM_001172745.3, NM_001172746.3, NM_032985.6 and 1 more transcripts); short protein forms N86D.
Identifiers: ClinVar variation 2582177 (VCV002582177.3), dbSNP rs761424294, ClinGen allele CA9777972.